The following is an entry in ClinVar:

NM_032119.4(ADGRV1):c.11031C>T (p.Asn3677=)

Gene: ADGRV1 (adhesion G protein-coupled receptor V1; plus strand). Cytogenetic location: 5q14.3.
Variant type: single nucleotide variant.
Coding change: c.11031C>T on transcript NM_032119.4 (MANE Select); coding-DNA position 11031, C replaced by T.
Protein change: p.Asn3677=; no amino-acid change (asparagine 3677 retained).
Molecular consequence: synonymous variant. On other transcripts: non-coding transcript variant (1).
Genome position (GRCh38, 1-based): chr5:90,750,607, C>T. VCF-style: chr5-90750607-C-T. GRCh37 (hg19) VCF-style: chr5-90046424-C-T.
Identifiers: ClinVar variation 46253 (VCV000046253.31), dbSNP rs75480336, ClinGen allele CA138000.

ClinVar aggregate classification (germline): Benign/Likely benign. Review status: criteria provided, multiple submitters, no conflicts (2 of 4 stars). 8 submissions from 8 submitters: Benign (5); Likely benign (2). 1 of the submissions does not count toward it. Last evaluated 2026-01-27.

Conditions:
Usher syndrome type 2C. Also called: Usher syndrome, type 2B; USHER SYNDROME, TYPE IIC. Identifiers: Orphanet 231178, Orphanet 886, MedGen C2931213, MONDO:0011558, OMIM 605472.

Allele frequency attached by ClinVar (database versions not stated): gnomAD exomes 0.00089 and 0.00226; ExAC 0.00283; gnomAD 0.00912 and 0.00991; TOPMed 0.01007; ESP Exome Variant Server 0.01022; 1000 Genomes Project 30x 0.01077; 1000 Genomes Project 0.01078.
gnomAD v4.1: 2,733 of 1,611,840 alleles (0.17%); highest among the groups gnomAD compares: African/African-American, 3.2%; 40 homozygotes.

Submissions (8):

Labcorp Genetics (formerly Invitae), Labcorp
Classification: Benign. Last evaluated: 2026-01-27. Review status: criteria provided, single submitter. Criteria: Invitae Variant Classification Sherloc (09022015). Collection method: clinical testing. Allele origin: germline.

Athena Diagnostics
Classification: Benign. Last evaluated: 2024-12-09. Review status: criteria provided, single submitter. Criteria: Athena Diagnostics Criteria. Collection method: clinical testing. Allele origin: unknown.
Comment: The frequency of this variant in the general population is higher than would generally be expected for pathogenic variants in this gene. Computational tools yielded predictions that this variant is unlikely to have an effect on normal RNA splicing. This nucleotide position exhibits low evolutionary conservation.

ARUP Laboratories, Molecular Genetics and Genomics, ARUP Laboratories
Classification: Benign. Last evaluated: 2019-02-20. Review status: criteria provided, single submitter. Criteria: ARUP Molecular Germline Variant Investigation Process. Collection method: clinical testing. Allele origin: germline.

Illumina Laboratory Services, Illumina
Classification: Likely benign for Usher syndrome type 2C. Last evaluated: 2018-01-12. Review status: criteria provided, single submitter. Criteria: ICSL Variant Classification Criteria 13 December 2019. Collection method: clinical testing. Allele origin: germline.
Comment: This variant was observed in the ICSL laboratory as part of a predisposition screen in an ostensibly healthy population. It had not been previously curated by ICSL or reported in the Human Gene Mutation Database (HGMD: prior to June 1st, 2018), and was therefore a candidate for classification through an automated scoring system. Utilizing variant allele frequency, disease prevalence and penetrance estimates, and inheritance mode, an automated score was calculated to assess if this variant is too frequent to cause the disease. Based on the score and internal cut-off values, a variant classified as likely benign is not then subjected to further curation. The score for this variant resulted in a classification of likely benign for this disease.

GeneDx
Classification: Benign. Last evaluated: 2016-11-07. Review status: criteria provided, single submitter. Criteria: GeneDx Variant Classification (06012015). Collection method: clinical testing. Allele origin: germline. Affected: yes.
Comment: This variant is considered likely benign or benign based on one or more of the following criteria: it is a conservative change, it occurs at a poorly conserved position in the protein, it is predicted to be benign by multiple in silico algorithms, and/or has population frequency not consistent with disease.

Laboratory for Molecular Medicine, Mass General Brigham Personalized Medicine
Classification: Benign. Last evaluated: 2012-05-07. Review status: criteria provided, single submitter. Criteria: LMM Criteria. Collection method: clinical testing. Allele origin: germline. Observed: 12 variant alleles.
Comment: "Asn3677Asn in Exon 53 of GPR98: This variant is not expected to have clinical s ignificance because it does not alter an amino acid residue, is not located with in the splice consensus sequence, and has been identified in 3.0% (91/3028) of A frican American chromosomes from a broad population by the NHLBI Exome Sequencin g Project (dbSNP rs75480336)."

Breakthrough Genomics
Classification: Likely benign. Review status: criteria provided, single submitter. Criteria: ACMG Guidelines, 2015. Collection method: not provided. Allele origin: germline. Inheritance: Autosomal recessive inheritance. Affected: yes.

Genetic Services Laboratory, University of Chicago
Classification: Likely benign. Review status: no assertion criteria provided. Collection method: clinical testing. Allele origin: germline. Inheritance: Autosomal dominant inheritance. Not counted in ClinVar's aggregate classification.
Comment: Likely benign based on allele frequency in 1000 Genomes Project or ESP global frequency and its presence in a patient with a rare or unrelated disease phenotype. NOT Sanger confirmed